The following is an entry in ClinVar:

NM_022124.6(CDH23):c.288+2T>C

Genes: CDH23 (cadherin related 23; plus strand), CDH23-AS1 (CDH23 antisense RNA 1; minus strand). Cytogenetic location: 10q22.1.
Variant type: single nucleotide variant.
Coding change: c.288+2T>C on transcript NM_022124.6 (MANE Select); the canonical splice donor site of the intron after coding-DNA position 288, T replaced by C.
Molecular consequence: splice donor variant.
Genome position (GRCh38, 1-based): chr10:71,510,226, T>C. VCF-style: chr10-71510226-T-C. GRCh37 (hg19) VCF-style: chr10-73269983-T-C.
Other names: c.288+2T>C (NM_001171930.2, NM_001171931.2, NM_052836.4 and 1 more transcripts).
Identifiers: ClinVar variation 2092018 (VCV002092018.5), dbSNP rs1589149178, ClinGen allele CA377114729.
Genomic context (GRCh38, chr10:71,510,226, plus strand): 5'-TCTTTGCAGTGGAGCCTGACACTGGCGTGGTGTGGCTCCGGCAGCCACTGGACAGAGAGG[T>C]ATGACTTGCCCATACCCCTGCCCCAATTCTCTCCTGGGGACAGGAGGAGACACTGGGGGA-3'

ClinVar aggregate classification (germline): Pathogenic/Likely pathogenic. Review status: criteria provided, multiple submitters, no conflicts (2 of 4 stars). 2 submissions from 2 submitters: Pathogenic (1); Likely pathogenic (1). Last evaluated 2023-09-29.

Conditions:
Pituitary adenoma 5, multiple types. Identifiers: MedGen C4539685, MONDO:0054601, OMIM 617540.

Submissions (2):

Baylor Genetics
Classification: Likely pathogenic for Pituitary adenoma 5, multiple types. Last evaluated: 2023-09-29. Review status: criteria provided, single submitter. Criteria: ACMG Guidelines, 2015. Collection method: clinical testing. Allele origin: unknown.

Labcorp Genetics (formerly Invitae), Labcorp
Classification: Pathogenic. Last evaluated: 2022-02-12. Review status: criteria provided, single submitter. Criteria: Invitae Variant Classification Sherloc (09022015). Collection method: clinical testing. Allele origin: germline.
Comment: This variant is not present in population databases (gnomAD no frequency). This sequence change affects a donor splice site in intron 4 of the CDH23 gene. It is expected to disrupt RNA splicing. Variants that disrupt the donor or acceptor splice site typically lead to a loss of protein function (PMID: 16199547), and loss-of-function variants in CDH23 are known to be pathogenic (PMID: 11138009, 21940737). For these reasons, this variant has been classified as Pathogenic. Algorithms developed to predict the effect of sequence changes on RNA splicing suggest that this variant may disrupt the consensus splice site. Disruption of this splice site has been observed in individual(s) with Usher syndrome (PMID: 21940737). In at least one individual the data is consistent with being in trans (on the opposite chromosome) from a pathogenic variant.

Literature cited by the submitters: PubMed 16199547 (cited by Labcorp Genetics (formerly Invitae), Labcorp); PubMed 11138009 (cited by Labcorp Genetics (formerly Invitae), Labcorp); PubMed 21940737 (cited by Labcorp Genetics (formerly Invitae), Labcorp).